The following is an entry in ClinVar:

ClinVar aggregate classification (germline): Uncertain significance (1 of 4 stars; one submission).

Conditions:
Primary dilated cardiomyopathy (DCM). Also called: Dilated Cardiomyopathy. Identifiers: Orphanet 217604, MedGen C0007193, MeSH D002311, MONDO:0005021, HP:0001644. Inheritance: Various modes of inheritance.

gnomAD v4.1: 19 of 1,609,560 alleles (0.0012%); highest among the groups gnomAD compares: African/African-American, 0.011%; no homozygotes.

Submission:

Labcorp Genetics (formerly Invitae), Labcorp
Classification: Uncertain significance for Primary dilated cardiomyopathy. Last evaluated: 2025-10-23. Review status: criteria provided, single submitter. Criteria: Invitae Variant Classification Sherloc (09022015). Collection method: clinical testing. Allele origin: germline.
Comment: This sequence change replaces aspartic acid, which is acidic and polar, with asparagine, which is neutral and polar, at codon 853 of the NEBL protein (p.Asp853Asn). This variant is present in population databases (rs769413446, gnomAD 0.02%). This variant has not been reported in the literature in individuals affected with NEBL-related conditions. An algorithm developed to predict the effect of missense changes on protein structure and function (PolyPhen-2) suggests that this variant is likely to be disruptive. In summary, the available evidence is currently insufficient to determine the role of this variant in disease. Therefore, it has been classified as a Variant of Uncertain Significance.

NM_006393.3(NEBL):c.2557G>A (p.Asp853Asn)

Gene: NEBL (nebulette; minus strand). Cytogenetic location: 10p12.31.
Variant type: single nucleotide variant.
Coding change: c.2557G>A on transcript NM_006393.3 (MANE Select); coding-DNA position 2557, G replaced by A.
Protein change: p.Asp853Asn; replaces aspartic acid 853 with asparagine.
Molecular consequence: missense variant. On other transcripts: intron variant (8).
Genome position (GRCh38, 1-based): chr10:20,809,860, C>T on the plus strand (G>A on the coding strand, the complement: NEBL is on the minus strand). VCF-style: chr10-20809860-C-T. GRCh37 (hg19) VCF-style: chr10-21098789-C-T.
Other names: c.568G>A, p.Asp190Asn (NM_001377322.1); c.421+2909G>A (NM_001377326.1, NM_001377327.1, NM_001377328.1); c.529+2909G>A (NM_213569.2, NM_001173484.2); c.472+2909G>A (NM_001377324.1); c.463+2909G>A (NM_001377325.1); c.481+2909G>A (NM_001377323.1); short protein forms D190N, D853N.
Identifiers: ClinVar variation 4805543 (VCV004805543.1).
Genomic context (GRCh38, chr10:20,809,860, plus strand): 5'-TAATACCAGAGAGCATATGGAGACTTCTAGACTGAATATTGTCTTCCAGGGGATCAAGGT[C>T]GAAGATGGAGCCAGGATCTGTGCGCCAAACTTTGAGGTCTTTTGCCAAAAGGAAGAAATC-3'
Protein context (NP_006384.1, residues 843-863): VWRTDPGSIF[Asp853Asn]LDPLEDNIQS